The following is an entry in ClinVar:

NM_001320.7(CSNK2B):c.367+1G>C

Gene: CSNK2B (casein kinase 2 beta; plus strand). Cytogenetic location: 6p21.33.
Variant type: single nucleotide variant.
Coding change: c.367+1G>C on transcript NM_001320.7 (MANE Select); the canonical splice donor site of the intron after coding-DNA position 367, G replaced by C.
Molecular consequence: splice donor variant.
Genome position (GRCh38, 1-based): chr6:31,669,173, G>C. VCF-style: chr6-31669173-G-C. GRCh37 (hg19) VCF-style: chr6-31636950-G-C.
Other names: c.367+1G>C (NM_001282385.2).
Identifiers: ClinVar variation 3336864 (VCV003336864.2).

ClinVar aggregate classification (germline): Pathogenic. Review status: criteria provided, multiple submitters, no conflicts (2 of 4 stars). 2 submissions from 2 submitters: Pathogenic (2). Last evaluated 2025-04-17.

Submissions (2):

GeneDx
Classification: Pathogenic. Last evaluated: 2025-04-17. Review status: criteria provided, single submitter. Criteria: GeneDx Variant Classification Process June 2021. Collection method: clinical testing. Allele origin: germline. Affected: yes.
Comment: Canonical splice site variant predicted to result in a null allele in a gene for which loss of function is a known mechanism of disease; Not observed at significant frequency in large population cohorts (gnomAD); Has not been previously published as pathogenic or benign to our knowledge

Clinical Genetics Laboratory, Skane University Hospital Lund
Classification: Pathogenic. Last evaluated: 2022-05-27. Review status: criteria provided, single submitter. Criteria: ACMG Guidelines, 2015. Collection method: clinical testing. Allele origin: germline. Affected: yes.